The following is an entry in ClinVar:

ClinVar aggregate classification (germline): Uncertain significance (1 of 4 stars; one submission).

Conditions:
Hypertrophic cardiomyopathy. Also called: HYPERTROPHIC MYOCARDIOPATHY. Identifiers: Orphanet 217569, MedGen C0007194, MeSH D002312, MONDO:0005045, HP:0001639.

Submission:

Labcorp Genetics (formerly Invitae), Labcorp
Classification: Uncertain significance for Hypertrophic cardiomyopathy. Last evaluated: 2018-04-23. Review status: criteria provided, single submitter. Criteria: Invitae Variant Classification Sherloc (09022015). Collection method: clinical testing. Allele origin: germline.
Comment: This variant results in a copy number gain of the genomic region encompassing the full coding sequence of the MYOZ2 gene. The boundaries of this event are unknown as they extend beyond the assayed region for this gene and therefore may encompass additional genes. As the precise location of this event is unknown, it may be in tandem or it may be located elsewhere in the genome. Isolated whole-gene copy number gains of MYOZ2 have not been reported in the literature. However, larger copy number events that include this gene have been reported (PMID:Â¬â€ 22310962,Â¬â€ 27788187).Â¬â€ ClinVar contains an entry for this variant (Variation ID: 417577). In summary, the available evidence is currently insufficient to determine the role of this variant in disease. Therefore, it has been classified as a Variant of Uncertain Significance.

NC_000004.11:g.(?_120057661)_(120107375_?)dup

Gene: MYOZ2 (myozenin 2; plus strand). Cytogenetic location: 4q26.
Variant type: Duplication.
Identifiers: ClinVar variation 583900 (VCV000583900.1).